The following is an entry in ClinVar:

ClinVar aggregate classification (germline): Likely benign. Review status: criteria provided, multiple submitters, no conflicts (2 of 4 stars). 2 submissions from 2 submitters: Likely benign (2). Last evaluated 2026-05-01.

Conditions:
Developmental and epileptic encephalopathy 94 (DEE94). Also called: Epileptic encephalopathy, childhood-onset; CHD2-Related Neurodevelopmental Disorders. Identifiers: Orphanet 1942, Orphanet 2382, MedGen C3809278, MONDO:0014150, OMIM 615369.

Allele frequency attached by ClinVar (database versions not stated): gnomAD exomes 0.00001; TOPMed 0.00003.
gnomAD v4.1: 8 of 1,612,286 alleles (0.0005%); highest among the groups gnomAD compares: Admixed American, 0.0067%; no homozygotes.

Submissions (2):

CeGaT Center for Human Genetics Tuebingen
Classification: Likely benign. Last evaluated: 2026-05-01. Review status: criteria provided, single submitter. Criteria: CeGaT Center For Human Genetics Tuebingen Variant Classification Criteria Version 2. Collection method: clinical testing. Allele origin: germline. Affected: yes. Observed: 1 variant allele.
Comment: CHD2: BP4

Labcorp Genetics (formerly Invitae), Labcorp
Classification: Likely benign for Developmental and epileptic encephalopathy 94. Last evaluated: 2025-11-25. Review status: criteria provided, single submitter. Criteria: Invitae Variant Classification Sherloc (09022015). Collection method: clinical testing. Allele origin: germline.

NM_001271.4(CHD2):c.3456-8C>T

Gene: CHD2 (chromodomain helicase DNA binding protein 2; plus strand). Cytogenetic location: 15q26.1.
Variant type: single nucleotide variant.
Coding change: c.3456-8C>T on transcript NM_001271.4 (MANE Select); 8 bases into the intron before coding-DNA position 3456, C replaced by T.
Molecular consequence: intron variant.
Genome position (GRCh38, 1-based): chr15:92,992,851, C>T. VCF-style: chr15-92992851-C-T. GRCh37 (hg19) VCF-style: chr15-93536081-C-T.
Identifiers: ClinVar variation 1157142 (VCV001157142.11), dbSNP rs1394301788, ClinGen allele CA619618996.
Genomic context (GRCh38, chr15:92,992,851, plus strand): 5'-GCATCTCATGACACTTAAGAAGAGTGGGCACAGGGTCCTAAAGTGTCCCCATATTTGTTC[C>T]TCCTCAGGCTGGAGTGCATAGCACGTGATGCTGAGCTGGTAGATAAGTCGGTGGCAGATC-3'